The following is an entry in ClinVar:

NM_000400.4(ERCC2):c.595-10G>A

Gene: ERCC2 (ERCC excision repair 2, TFIIH core complex helicase subunit; minus strand). Cytogenetic location: 19q13.32.
Variant type: single nucleotide variant.
Coding change: c.595-10G>A on transcript NM_000400.4 (MANE Select); 10 bases into the intron before coding-DNA position 595, G replaced by A.
Molecular consequence: intron variant.
Genome position (GRCh38, 1-based): chr19:45,364,557, C>T on the plus strand (G>A on the coding strand, the complement: ERCC2 is on the minus strand). VCF-style: chr19-45364557-C-T. GRCh37 (hg19) VCF-style: chr19-45867815-C-T.
Other names: c.523-10G>A (NM_001130867.2).
Identifiers: ClinVar variation 1029821 (VCV001029821.8), dbSNP rs761737358, ClinGen allele CA9513705.

ClinVar aggregate classification (germline): Conflicting classifications of pathogenicity. Review status: criteria provided, conflicting classifications (1 of 4 stars). 4 submissions from 4 submitters: Likely pathogenic (2); Uncertain significance (2). Last evaluated 2026-07-23.

Conditions:
ERCC2-related disorder. Also called: ERCC2-related disorders; ERCC2-related conditions; ERCC2-related condition. Identifiers: MedGen CN239291.
Trichothiodystrophy 1, photosensitive (TTD1). Also called: TAY SYNDROME; TRICHOTHIODYSTROPHY WITH CONGENITAL ICHTHYOSIS; PIBIDS SYNDROME. Identifiers: Orphanet 33364, MedGen C1866504, MONDO:0011125, OMIM 601675.
Xeroderma pigmentosum (XP). Identifiers: Orphanet 910, MedGen C0043346, MONDO:0019600.

Allele frequency attached by ClinVar (database versions not stated): TOPMed below 0.00001; gnomAD 0.00001; gnomAD exomes 0.00001; ExAC 0.00003.
gnomAD v4.1: 22 of 1,611,990 alleles (0.0014%); highest among the groups gnomAD compares: Non-Finnish European, 0.0017%; no homozygotes.

Submissions (4):

Myriad Genetics, Inc.
Classification: Uncertain significance for ERCC2-related disorder. Last evaluated: 2026-07-23. Review status: criteria provided, single submitter. Criteria: Myriad Autosomal Dominant, Autosomal Recessive and X-Linked Classification Criteria (2023). Collection method: clinical testing. Allele origin: unknown.
Comment: NM_000400.3(ERCC2):c.595-10G>A is an intronic variant classified as a variant of uncertain significance in the context of ERCC2-related disorders. c.595-10G>A has been observed in a case with relevant disease (PMID: 18470933). Relevant functional assessments of this variant are not available in the literature. c.595-10G>A has been observed in referenced population frequency databases. In summary, there is insufficient evidence to classify NM_000400.3(ERCC2):c.595-10G>A as pathogenic or benign. Please note: this variant was assessed in the context of healthy population screening.

Labcorp Genetics (formerly Invitae), Labcorp
Classification: Likely pathogenic. Last evaluated: 2025-09-02. Review status: criteria provided, single submitter. Criteria: Invitae Variant Classification Sherloc (09022015). Collection method: clinical testing. Allele origin: germline.
Comment: This sequence change falls in intron 7 of the ERCC2 gene. It does not directly change the encoded amino acid sequence of the ERCC2 protein. This variant is present in population databases (rs761737358, gnomAD 0.003%). This variant has been observed in individual(s) with clinical features of xeroderma pigmentosum (PMID: 18470933). It has also been observed to segregate with disease in related individuals. This variant is also known as 199insPP. ClinVar contains an entry for this variant (Variation ID: 1029821). Algorithms developed to predict the effect of variants on gene product structure and function are not available or were not evaluated for this variant. Experimental studies have shown that this variant affects ERCC2 function (PMID: 19934020). Algorithms developed to predict the effect of sequence changes on RNA splicing suggest that this variant may disrupt the consensus splice site. In summary, the currently available evidence indicates that the variant is pathogenic, but additional data are needed to prove that conclusively. Therefore, this variant has been classified as Likely Pathogenic.

Women's Health and Genetics/Laboratory Corporation of America, LabCorp
Classification: Likely pathogenic for Xeroderma pigmentosum. Last evaluated: 2023-09-14. Review status: criteria provided, single submitter. Criteria: LabCorp Variant Classification Summary - May 2015. Collection method: clinical testing. Allele origin: germline.
Comment: Variant summary: ERCC2 c.595-10G>A alters a non-conserved nucleotide located at a position not widely known to affect splicing. Several computational tools predict a significant impact on normal splicing: two predict the variant abolishes a 3' acceptor site and two predict the variant weakens a 3' acceptor site. Additionally, three tools predict the variant creates a 3' acceptor site 8 nucleotides upstream, potentially leading to a frameshift. At least one publication reports experimental evidence that this variant affects mRNA splicing, supporting computational predictions, and finding that the variant results in an 8-nt insertion causing a frameshift (p.I199Pfs*52; Boyle_2008, Ueda_2009). The variant allele was found at a frequency of 8.1e-06 in 247614 control chromosomes (gnomAD). The available data on variant occurrences in the general population are insufficient to allow any conclusion about variant significance. c.595-10G>A has been reported in the literature in at least two compound heterozygous siblings affected with Xeroderma Pigmentosum (e.g., Boyle_2008, Ueda_2009). These data indicate that the variant may be associated with disease. At least one publication reports experimental evidence evaluating an impact on protein function, finding that the variant severely disrupts nucleotide excision repair activity, p44-XPD interaction, basal transcription, and several other protein functions (e.g., Ueda_2009). The following publications have been ascertained in the context of this evaluation (PMID: 18470933, 19934020). Two submitters have reported clinical-significance assessments for this variant to ClinVar after 2014, and both submitters classified the variant as uncertain significance. Based on the evidence outlined above, the variant was classified as likely pathogenic.

Baylor Genetics
Classification: Uncertain significance for Trichothiodystrophy 1, photosensitive. Last evaluated: 2020-01-07. Review status: criteria provided, single submitter. Criteria: ACMG Guidelines, 2015. Collection method: clinical testing. Allele origin: unknown. Affected: yes.
Comment: This variant was determined to be of uncertain significance according to ACMG Guidelines, 2015 [PMID:25741868].

Literature cited by the submitters: PubMed 18470933 (cited by 3 submitters); PubMed 19934020 (cited by Labcorp Genetics (formerly Invitae), Labcorp and Women's Health and Genetics/Laboratory Corporation of America, LabCorp).